The following is an entry in ClinVar:

ClinVar aggregate classification (germline): Uncertain significance. Review status: criteria provided, multiple submitters, no conflicts (2 of 4 stars). 2 submissions from 2 submitters: Uncertain significance (2). Last evaluated 2023-06-22.

Conditions:
Familial adenomatous polyposis 1 (FAP1). Also called: FAMILIAL ADENOMATOUS POLYPOSIS 1, ATTENUATED; POLYPOSIS, ADENOMATOUS INTESTINAL. Identifiers: MedGen C2713442, MONDO:0021056, OMIM 175100. Disease mechanism: loss of function.
Hereditary cancer-predisposing syndrome. Also called: Neoplastic Syndromes, Hereditary; Tumor predisposition; Hereditary Cancer Syndrome; Hereditary neoplastic syndrome. Identifiers: Orphanet 140162, MedGen C0027672, MeSH D009386, MONDO:0015356.

Allele frequency attached by ClinVar (database versions not stated): gnomAD exomes below 0.00001; TOPMed below 0.00001.
gnomAD v4.1: 1 of 1,609,070 alleles (0.000062%); highest among the groups gnomAD compares: Non-Finnish European, 0.000085%; no homozygotes.

Submissions (2):

Baylor Genetics
Classification: Uncertain significance for Familial adenomatous polyposis 1. Last evaluated: 2023-06-22. Review status: criteria provided, single submitter. Criteria: ACMG Guidelines, 2015. Collection method: clinical testing. Allele origin: unknown.

Color Diagnostics, LLC DBA Color Health
Classification: Uncertain significance for Hereditary cancer-predisposing syndrome. Last evaluated: 2023-02-07. Review status: criteria provided, single submitter. Criteria: ACMG Guidelines, 2015. Collection method: clinical testing. Allele origin: germline.
Comment: This missense variant replaces isoleucine with threonine at codon 218 of the APC protein. Computational prediction suggests that this variant may not impact protein structure and function (internally defined REVEL score threshold <= 0.5, PMID: 27666373). To our knowledge, functional studies have not been reported for this variant. This variant has not been reported in individuals affected with APC-related disorders in the literature. This variant has not been identified in the general population by the Genome Aggregation Database (gnomAD). The available evidence is insufficient to determine the role of this variant in disease conclusively. Therefore, this variant is classified as a Variant of Uncertain Significance.

NM_000038.6(APC):c.653T>C (p.Ile218Thr)

Gene: APC (APC regulator of Wnt signaling pathway; plus strand). Cytogenetic location: 5q22.2.
Variant type: single nucleotide variant.
Coding change: c.653T>C on transcript NM_000038.6 (MANE Select); coding-DNA position 653, T replaced by C.
Protein change: p.Ile218Thr; replaces isoleucine 218 with threonine.
Molecular consequence: missense variant. On other transcripts: 5 prime UTR variant (4), non-coding transcript variant (2), intron variant (5).
Genome position (GRCh38, 1-based): chr5:112,792,453, T>C. VCF-style: chr5-112792453-T-C. GRCh37 (hg19) VCF-style: chr5-112128150-T-C.
Other names: c.653T>C, p.Ile218Thr (NM_001127510.3, NM_001354895.2, NM_001354896.2 and 12 more transcripts); c.683T>C, p.Ile228Thr (NM_001354897.2, NM_001354902.2, NM_001407446.1); c.578T>C, p.Ile193Thr (NM_001354898.2, NM_001354904.2, NM_001407451.1); c.476T>C, p.Ile159Thr (NM_001354900.2, NM_001354901.2, NM_001354905.2 and 1 more transcripts); c.-383T>C (NM_001354906.2, NM_001407470.1, NM_001407471.1 and 1 more transcripts); c.646-8826T>C (NM_001407452.1, NM_001407469.1, NM_001354899.2 and 1 more transcripts); c.676-8826T>C (NM_001127511.3); short protein forms I159T, I193T, I218T, I228T.
Identifiers: ClinVar variation 2677869 (VCV002677869.3), dbSNP rs1759726043, ClinGen allele CA16022762.